The following is an entry in ClinVar:

NM_138413.4(HOGA1):c.64G>A (p.Val22Met)

Gene: HOGA1 (4-hydroxy-2-oxoglutarate aldolase 1; plus strand). Cytogenetic location: 10q24.2.
Variant type: single nucleotide variant.
Coding change: c.64G>A on transcript NM_138413.4 (MANE Select); coding-DNA position 64, G replaced by A.
Protein change: p.Val22Met; replaces valine 22 with methionine.
Molecular consequence: missense variant.
Genome position (GRCh38, 1-based): chr10:97,584,767, G>A. VCF-style: chr10-97584767-G-A. GRCh37 (hg19) VCF-style: chr10-99344524-G-A.
Other names: c.64G>A, p.Val22Met (NM_001134670.2); short protein forms V22M.
Identifiers: ClinVar variation 840938 (VCV000840938.11), dbSNP rs1425518232, ClinGen allele CA377967169.

ClinVar aggregate classification (germline): Uncertain significance. Review status: criteria provided, single submitter (1 of 4 stars). 2 submissions from 2 submitters: Uncertain significance (1). 1 of the submissions does not count toward it. Last evaluated 2019-12-18.

Conditions:
Primary hyperoxaluria type 3. Also called: PH III. Identifiers: Orphanet 416, Orphanet 93600, MedGen C3150878, MONDO:0013327, OMIM 613616. Disease mechanism: loss of function.

Allele frequency attached by ClinVar (database versions not stated): gnomAD exomes below 0.00001; TOPMed below 0.00001.
gnomAD v4.1: 2 of 1,613,638 alleles (0.00012%); highest among the groups gnomAD compares: South Asian, 0.0022%; no homozygotes.

Submissions (2):

Labcorp Genetics (formerly Invitae), Labcorp
Classification: Uncertain significance. Last evaluated: 2019-12-18. Review status: criteria provided, single submitter. Criteria: Invitae Variant Classification Sherloc (09022015). Collection method: clinical testing. Allele origin: germline.
Comment: This sequence change replaces valine with methionine at codon 22 of the HOGA1 protein (p.Val22Met). The valine residue is moderately conserved and there is a small physicochemical difference between valine and methionine. This variant is not present in population databases (ExAC no frequency). This variant has not been reported in the literature in individuals with HOGA1-related conditions. Algorithms developed to predict the effect of missense changes on protein structure and function (SIFT, PolyPhen-2, Align-GVGD) all suggest that this variant is likely to be tolerated, but these predictions have not been confirmed by published functional studies and their clinical significance is uncertain. In summary, the available evidence is currently insufficient to determine the role of this variant in disease. Therefore, it has been classified as a Variant of Uncertain Significance.

Natera, Inc.
Classification: Uncertain significance for Primary hyperoxaluria type III. Last evaluated: 2020-03-27. Review status: no assertion criteria provided. Collection method: clinical testing. Allele origin: germline. Not counted in ClinVar's aggregate classification.